The following is an entry in ClinVar:

NM_001369.3(DNAH5):c.3031C>T (p.Arg1011Trp)

Genes: DNAH5 (dynein axonemal heavy chain 5; minus strand), DNAH5-AS1 (DNAH5 antisense RNA 1; plus strand). Cytogenetic location: 5p15.2.
Variant type: single nucleotide variant.
Coding change: c.3031C>T on transcript NM_001369.3 (MANE Select); coding-DNA position 3031, C replaced by T.
Protein change: p.Arg1011Trp; replaces arginine 1011 with tryptophan.
Molecular consequence: missense variant.
Genome position (GRCh38, 1-based): chr5:13,883,047, G>A on the plus strand (C>T on the coding strand, the complement: DNAH5 is on the minus strand). VCF-style: chr5-13883047-G-A. GRCh37 (hg19) VCF-style: chr5-13883156-G-A.
Other names: short protein forms R1011W.
Identifiers: ClinVar variation 1487487 (VCV001487487.17), dbSNP rs928800148, ClinGen allele CA113931189.

ClinVar aggregate classification (germline): Uncertain significance. Review status: criteria provided, multiple submitters, no conflicts (2 of 4 stars). 3 submissions from 3 submitters: Uncertain significance (3). Last evaluated 2025-10-07.

Conditions:
Primary ciliary dyskinesia. Also called: Ciliary dyskinesia. Identifiers: Orphanet 244, MedGen C0008780, MONDO:0016575, HP:0012265.

Allele frequency attached by ClinVar (database versions not stated): gnomAD exomes below 0.00001; gnomAD 0.00001.
gnomAD v4.1: 13 of 1,613,998 alleles (0.00081%); highest among the groups gnomAD compares: Admixed American, 0.0017%; no homozygotes.

Submissions (3):

Ambry Genetics
Classification: Uncertain significance for Primary ciliary dyskinesia. Last evaluated: 2025-10-07. Review status: criteria provided, single submitter. Criteria: Ambry Variant Classification Scheme 2023. Collection method: clinical testing. Allele origin: germline.

Labcorp Genetics (formerly Invitae), Labcorp
Classification: Uncertain significance for Primary ciliary dyskinesia. Last evaluated: 2022-08-23. Review status: criteria provided, single submitter. Criteria: Invitae Variant Classification Sherloc (09022015). Collection method: clinical testing. Allele origin: germline.
Comment: This sequence change replaces arginine, which is basic and polar, with tryptophan, which is neutral and slightly polar, at codon 1011 of the DNAH5 protein (p.Arg1011Trp). This variant is present in population databases (no rsID available, gnomAD no frequency). This variant has not been reported in the literature in individuals affected with DNAH5-related conditions. ClinVar contains an entry for this variant (Variation ID: 1487487). Advanced modeling of protein sequence and biophysical properties (such as structural, functional, and spatial information, amino acid conservation, physicochemical variation, residue mobility, and thermodynamic stability) performed at Invitae indicates that this missense variant is not expected to disrupt DNAH5 protein function. In summary, the available evidence is currently insufficient to determine the role of this variant in disease. Therefore, it has been classified as a Variant of Uncertain Significance.

Breakthrough Genomics
Classification: Uncertain significance. Review status: criteria provided, single submitter. Criteria: ACMG Guidelines, 2015. Collection method: not provided. Allele origin: germline. Inheritance: Autosomal recessive inheritance. Affected: yes.